The following is an entry in ClinVar:

NC_000001.10:g.(215916678_215931936)_(215940131_215953184)dup

Gene: USH2A (usherin; minus strand). Cytogenetic location: 1q41.
Variant type: Duplication.
Identifiers: ClinVar variation 1683414 (VCV001683414.1).

ClinVar aggregate classification (germline): Uncertain significance (1 of 4 stars; one submission).

Submission:

Women's Health and Genetics/Laboratory Corporation of America, LabCorp
Classification: Uncertain significance. Last evaluated: 2022-04-14. Review status: criteria provided, single submitter. Criteria: LabCorp Variant Classification Summary - May 2015. Collection method: clinical testing. Allele origin: germline.
Comment: Variant summary: The variant identified by MLPA or other technology involves the duplication of exons 56-58 in the USH2A gene. A presumed nomenclature of c.(10939+1_10940-1)_(11389+1_11390-1)dup has been designated for the purposes of this classification. It has been assumed that this is a tandem duplication in direct orientation (Richardson_GIM_2018, Newman_AJHG_2015). Although exact breakpoints of this duplication are not known, it is expected to result in a large in-frame duplication change in the USH2A gene. The variant was absent in 21572 control chromosomes (gnomAD, Structural Variants dataset). The available data on variant occurrences in the general population are insufficient to allow any conclusion about variant significance. To our knowledge, no occurrence of c.(10939+1_10940-1)_(11389+1_11390-1)dup in individuals affected with Usher Syndrome and no experimental evidence demonstrating its impact on protein function have been reported. No clinical diagnostic laboratories have submitted clinical-significance assessments for this variant to ClinVar after 2014. Based on the evidence outlined above, the variant was classified as uncertain significance.